The following is an entry in ClinVar:

ClinVar aggregate classification (germline): Uncertain significance (1 of 4 stars; one submission).

Conditions:
Severe combined immunodeficiency, autosomal recessive, T cell-negative, B cell-negative, NK cell-positive. Also called: Severe combined immunodeficiency due to complete RAG1/2 deficiency; SCID, T CELL-NEGATIVE, B CELL-NEGATIVE, NK CELL-POSITIVE; SCID, AR, T-cell negative, B-cell negative, NK cell-positive. Identifiers: Orphanet 331206, MedGen C1832322, MONDO:0011086, OMIM 601457.
Combined immunodeficiency with skin granulomas. Identifiers: Orphanet 157949, MedGen C2673536, MONDO:0009306, OMIM 233650.

gnomAD v4.1: 4 of 1,614,248 alleles (0.00025%); highest among the groups gnomAD compares: Admixed American, 0.0067%; no homozygotes.

Submission:

Labcorp Genetics (formerly Invitae), Labcorp
Classification: Uncertain significance for Combined immunodeficiency with skin granulomas; Severe combined immunodeficiency, autosomal recessive, T cell-negative, B cell-negative, NK cell-positive. Last evaluated: 2022-08-16. Review status: criteria provided, single submitter. Criteria: Invitae Variant Classification Sherloc (09022015). Collection method: clinical testing. Allele origin: germline.
Comment: This sequence change replaces glutamine, which is neutral and polar, with arginine, which is basic and polar, at codon 72 of the RAG1 protein (p.Gln72Arg). This variant is present in population databases (rs781240450, gnomAD 0.006%). This variant has not been reported in the literature in individuals affected with RAG1-related conditions. ClinVar contains an entry for this variant (Variation ID: 1409962). Advanced modeling of protein sequence and biophysical properties (such as structural, functional, and spatial information, amino acid conservation, physicochemical variation, residue mobility, and thermodynamic stability) performed at Invitae indicates that this missense variant is not expected to disrupt RAG1 protein function. In summary, the available evidence is currently insufficient to determine the role of this variant in disease. Therefore, it has been classified as a Variant of Uncertain Significance.

NM_000448.3(RAG1):c.215A>G (p.Gln72Arg)

Gene: RAG1 (recombination activating 1; plus strand). Cytogenetic location: 11p12.
Variant type: single nucleotide variant.
Coding change: c.215A>G on transcript NM_000448.3 (MANE Select); coding-DNA position 215, A replaced by G.
Protein change: p.Gln72Arg; replaces glutamine 72 with arginine.
Molecular consequence: missense variant.
Genome position (GRCh38, 1-based): chr11:36,573,519, A>G. VCF-style: chr11-36573519-A-G. GRCh37 (hg19) VCF-style: chr11-36595069-A-G.
Other names: c.215A>G, p.Gln72Arg (NM_001377277.1, NM_001377278.1, NM_001377279.1 and 1 more transcripts); short protein forms Q72R.
Identifiers: ClinVar variation 1409962 (VCV001409962.5), dbSNP rs781240450, ClinGen allele CA5949926.